The following is an entry in ClinVar:

ClinVar aggregate classification (germline): Uncertain significance (1 of 4 stars; one submission).

Conditions:
2-aminoadipic 2-oxoadipic aciduria (AAKAD). Also called: Aminoadipic aciduria; ALPHA-AMINOADIPIC AND ALPHA-KETOADIPIC ACIDURIA. Identifiers: Orphanet 79154, MedGen C1859817, MONDO:0008774, OMIM 204750.

Allele frequency attached by ClinVar (database versions not stated): TOPMed below 0.00001.

Submission:

Labcorp Genetics (formerly Invitae), Labcorp
Classification: Uncertain significance for 2-aminoadipic 2-oxoadipic aciduria. Last evaluated: 2022-08-31. Review status: criteria provided, single submitter. Criteria: Invitae Variant Classification Sherloc (09022015). Collection method: clinical testing. Allele origin: germline.
Comment: In summary, the available evidence is currently insufficient to determine the role of this variant in disease. Therefore, it has been classified as a Variant of Uncertain Significance. Algorithms developed to predict the effect of missense changes on protein structure and function are either unavailable or do not agree on the potential impact of this missense change (SIFT: "Tolerated"; PolyPhen-2: "Possibly Damaging"; Align-GVGD: "Class C0"). This variant has not been reported in the literature in individuals affected with DHTKD1-related conditions. This variant is not present in population databases (gnomAD no frequency). This sequence change replaces histidine, which is basic and polar, with arginine, which is basic and polar, at codon 555 of the DHTKD1 protein (p.His555Arg).

NM_018706.7(DHTKD1):c.1664A>G (p.His555Arg)

Gene: DHTKD1 (dehydrogenase E1 and transketolase domain containing 1; plus strand). Cytogenetic location: 10p14.
Variant type: single nucleotide variant.
Coding change: c.1664A>G on transcript NM_018706.7 (MANE Select); coding-DNA position 1664, A replaced by G.
Protein change: p.His555Arg; replaces histidine 555 with arginine.
Molecular consequence: missense variant.
Genome position (GRCh38, 1-based): chr10:12,097,989, A>G. VCF-style: chr10-12097989-A-G. GRCh37 (hg19) VCF-style: chr10-12139988-A-G.
Other names: short protein forms H555R.
Identifiers: ClinVar variation 1966937 (VCV001966937.5), dbSNP rs1432183584, ClinGen allele CA376021774.